The following is an entry in ClinVar:

ClinVar aggregate classification (germline): Uncertain significance (1 of 4 stars; one submission).

Allele frequency attached by ClinVar (database versions not stated): gnomAD exomes below 0.00001; TOPMed below 0.00001; ExAC 0.00001; gnomAD 0.00001.
gnomAD v4.1: 4 of 1,613,178 alleles (0.00025%); highest among the groups gnomAD compares: Admixed American, 0.0017%; no homozygotes.

Submission:

Labcorp Genetics (formerly Invitae), Labcorp
Classification: Uncertain significance. Last evaluated: 2023-10-03. Review status: criteria provided, single submitter. Criteria: Invitae Variant Classification Sherloc (09022015). Collection method: clinical testing. Allele origin: germline.
Comment: This sequence change replaces tyrosine, which is neutral and polar, with cysteine, which is neutral and slightly polar, at codon 20 of the IFNAR2 protein (p.Tyr20Cys). This variant is present in population databases (rs781731891, gnomAD 0.1%). This variant has not been reported in the literature in individuals affected with IFNAR2-related conditions. ClinVar contains an entry for this variant (Variation ID: 1920972). Algorithms developed to predict the effect of missense changes on protein structure and function output the following: SIFT: "Not Available"; PolyPhen-2: "Benign"; Align-GVGD: "Not Available". The cysteine amino acid residue is found in multiple mammalian species, which suggests that this missense change does not adversely affect protein function. In summary, the available evidence is currently insufficient to determine the role of this variant in disease. Therefore, it has been classified as a Variant of Uncertain Significance.

NM_001289125.3(IFNAR2):c.59A>G (p.Tyr20Cys)

Genes: IFNAR2 (interferon alpha and beta receptor subunit 2; plus strand), IFNAR2-IL10RB (IFNAR2-IL10RB readthrough; plus strand). Cytogenetic location: 21q22.11.
Variant type: single nucleotide variant.
Coding change: c.59A>G on transcript NM_001289125.3 (MANE Select); coding-DNA position 59, A replaced by G.
Protein change: p.Tyr20Cys; replaces tyrosine 20 with cysteine.
Molecular consequence: missense variant.
Genome position (GRCh38, 1-based): chr21:33,243,676, A>G. VCF-style: chr21-33243676-A-G. GRCh37 (hg19) VCF-style: chr21-34615981-A-G.
Other names: c.59A>G, p.Tyr20Cys (NM_001414505.1, NM_000874.5, NM_001289126.2 and 5 more transcripts); short protein forms Y20C.
Identifiers: ClinVar variation 1920972 (VCV001920972.4), dbSNP rs781731891, ClinGen allele CA10005527.
Genomic context (GRCh38, chr21:33,243,676, plus strand): 5'-TTGCAAGTTGAGCCCAGATAAAACTATTGCCTCTCTAATGTGTTTTCTTCCTTCTAGTGT[A>G]TATCAGCCTCGTGTTTGGTATTTCATATGATTCGCCTGGTAAGAGATGTTTTTTGGCTTC-3'
Protein context (NP_001276054.1, residues 10-30): FRSLNLVLMV[Tyr20Cys]ISLVFGISYD